The following is an entry in ClinVar:

ClinVar aggregate classification (germline): Benign (0 of 4 stars; one submission).

Conditions:
VANGL2-related disorder. Also called: VANGL2-related condition.

Allele frequency attached by ClinVar (database versions not stated): gnomAD exomes 0.00028; gnomAD 0.00033; TOPMed 0.00038; ExAC 0.00040.

Submission:

PreventionGenetics, part of Exact Sciences
Classification: Benign for VANGL2-related condition. Last evaluated: 2019-07-10. Review status: no assertion criteria provided. Collection method: clinical testing. Allele origin: germline.
Comment: This variant is classified as benign based on ACMG/AMP sequence variant interpretation guidelines (Richards et al. 2015 PMID: 25741868, with internal and published modifications).

NM_020335.3(VANGL2):c.842A>G (p.His281Arg)

Gene: VANGL2 (VANGL planar cell polarity protein 2; plus strand). Cytogenetic location: 1q23.2.
Variant type: single nucleotide variant.
Coding change: c.842A>G on transcript NM_020335.3 (MANE Select); coding-DNA position 842, A replaced by G.
Protein change: p.His281Arg; replaces histidine 281 with arginine.
Molecular consequence: missense variant.
Genome position (GRCh38, 1-based): chr1:160,420,452, A>G. VCF-style: chr1-160420452-A-G. GRCh37 (hg19) VCF-style: chr1-160390242-A-G.
Other names: short protein forms H281R.
Identifiers: ClinVar variation 3050384 (VCV003050384.2), dbSNP rs200070891, ClinGen allele CA1199538.